The following is an entry in ClinVar:

ClinVar aggregate classification (germline): Uncertain significance (1 of 4 stars; one submission).

Submission:

Labcorp Genetics (formerly Invitae), Labcorp
Classification: Uncertain significance. Last evaluated: 2022-08-18. Review status: criteria provided, single submitter. Criteria: Invitae Variant Classification Sherloc (09022015). Collection method: clinical testing. Allele origin: germline.
Comment: This sequence change replaces glycine, which is neutral and non-polar, with alanine, which is neutral and non-polar, at codon 1714 of the ITPR1 protein (p.Gly1714Ala). This variant is not present in population databases (gnomAD no frequency). This variant has not been reported in the literature in individuals affected with ITPR1-related conditions. Algorithms developed to predict the effect of missense changes on protein structure and function (SIFT, PolyPhen-2, Align-GVGD) all suggest that this variant is likely to be tolerated. In summary, the available evidence is currently insufficient to determine the role of this variant in disease. Therefore, it has been classified as a Variant of Uncertain Significance.

NM_001378452.1(ITPR1):c.5330G>C (p.Gly1777Ala)

Gene: ITPR1 (inositol 1,4,5-trisphosphate receptor type 1; plus strand). Cytogenetic location: 3p26.1.
Variant type: single nucleotide variant.
Coding change: c.5330G>C on transcript NM_001378452.1 (MANE Select); coding-DNA position 5330, G replaced by C.
Protein change: p.Gly1777Ala; replaces glycine 1777 with alanine.
Molecular consequence: missense variant.
Genome position (GRCh38, 1-based): chr3:4,733,197, G>C. VCF-style: chr3-4733197-G-C. GRCh37 (hg19) VCF-style: chr3-4774881-G-C.
Other names: c.5186G>C, p.Gly1729Ala (NM_001099952.4); c.5285G>C, p.Gly1762Ala (NM_001168272.2); c.5141G>C, p.Gly1714Ala (NM_002222.7); short protein forms G1714A, G1729A, G1762A, G1777A.
Identifiers: ClinVar variation 1716643 (VCV001716643.5), dbSNP rs2469947466, ClinGen allele CA351638812.